The following is an entry in ClinVar:

ClinVar aggregate classification (germline): Likely benign (1 of 4 stars; one submission).

Conditions:
CEDNIK syndrome. Also called: CEREBRAL DYSGENESIS, NEUROPATHY, ICHTHYOSIS, AND PALMOPLANTAR KERATODERMA SYNDROME; Cerebral dysgenesis, neuropathy, ichthyosis, and palmoplantar keratoderma. Identifiers: Orphanet 66631, MedGen C1836033, MONDO:0012290, OMIM 609528.

Allele frequency attached by ClinVar (database versions not stated): gnomAD 0.00011 and 0.00001; 1000 Genomes Project 0.00060; 1000 Genomes Project 30x 0.00062; TOPMed 0.00004.

Submission:

Illumina Laboratory Services, Illumina
Classification: Likely benign for CEDNIK syndrome. Last evaluated: 2018-01-13. Review status: criteria provided, single submitter. Criteria: ICSL Variant Classification Criteria 13 December 2019. Collection method: clinical testing. Allele origin: germline.
Comment: This variant was observed in the ICSL laboratory as part of a predisposition screen in an ostensibly healthy population. It had not been previously curated by ICSL or reported in the Human Gene Mutation Database (HGMD: prior to June 1st, 2018), and was therefore a candidate for classification through an automated scoring system. Utilizing variant allele frequency, disease prevalence and penetrance estimates, and inheritance mode, an automated score was calculated to assess if this variant is too frequent to cause the disease. Based on the score and internal cut-off values, a variant classified as likely benign is not then subjected to further curation. The score for this variant resulted in a classification of likely benign for this disease.

NM_004782.4(SNAP29):c.*3252T>G

Gene: SNAP29 (synaptosome associated protein 29; plus strand). Cytogenetic location: 22q11.21.
Variant type: single nucleotide variant.
Coding change: c.*3252T>G on transcript NM_004782.4 (MANE Select); 3252 bases downstream of the stop codon, T replaced by G.
Molecular consequence: 3 prime UTR variant.
Genome position (GRCh38, 1-based): chr22:20,891,088, T>G. VCF-style: chr22-20891088-T-G. GRCh37 (hg19) VCF-style: chr22-21245376-T-G.
Identifiers: ClinVar variation 340904 (VCV000340904.5), dbSNP rs376610436, ClinGen allele CA10653255.